The following is an entry in ClinVar:

ClinVar aggregate classification (germline): Uncertain significance (1 of 4 stars; one submission).

Submission:

GeneDx
Classification: Uncertain significance. Last evaluated: 2019-12-15. Review status: criteria provided, single submitter. Criteria: GeneDx Variant Classification Process June 2021. Collection method: clinical testing. Allele origin: germline. Affected: yes.
Comment: Not observed in large population cohorts (Lek et al., 2016); In silico analysis, which includes protein predictors and evolutionary conservation, supports a deleterious effect; In-silico analysis, which includes splice predictors and evolutionary conservation, is inconclusive as to whether the variant alters gene splicing. In the absence of RNA/functional studies, the actual effect of this sequence change is unknown.; Has not been previously published as pathogenic or benign to our knowledge

NM_152641.4(ARID2):c.284G>A (p.Arg95His)

Gene: ARID2 (AT-rich interaction domain 2; plus strand). Cytogenetic location: 12q12.
Variant type: single nucleotide variant.
Coding change: c.284G>A on transcript NM_152641.4 (MANE Select); coding-DNA position 284, G replaced by A.
Protein change: p.Arg95His; replaces arginine 95 with histidine.
Molecular consequence: missense variant.
Genome position (GRCh38, 1-based): chr12:45,731,314, G>A. VCF-style: chr12-45731314-G-A. GRCh37 (hg19) VCF-style: chr12-46125097-G-A.
Other names: c.284G>A, p.Arg95His (NM_001347839.2); short protein forms R95H.
Identifiers: ClinVar variation 1310617 (VCV001310617.2), dbSNP rs2137963069, ClinGen allele CA384609539.